The following is an entry in ClinVar:

ClinVar aggregate classification (germline): Uncertain significance (1 of 4 stars; one submission).

Conditions:
Charcot-Marie-Tooth disease dominant intermediate C (CMTDIC). Also called: CHARCOT-MARIE-TOOTH NEUROPATHY, DOMINANT INTERMEDIATE C. Identifiers: Orphanet 100045, MedGen C1842237, MONDO:0012012, OMIM 608323.

Allele frequency attached by ClinVar (database versions not stated): gnomAD exomes 0.00001 and 0.00002; TOPMed 0.00003; gnomAD 0.00001 and 0.00003.
gnomAD v4.1: 35 of 1,614,170 alleles (0.0022%); highest among the groups gnomAD compares: African/African-American, 0.004%; 1 homozygote.

Submission:

Labcorp Genetics (formerly Invitae), Labcorp
Classification: Uncertain significance for Charcot-Marie-Tooth disease dominant intermediate C. Last evaluated: 2025-10-05. Review status: criteria provided, single submitter. Criteria: Invitae Variant Classification Sherloc (09022015). Collection method: clinical testing. Allele origin: germline.
Comment: This sequence change replaces valine, which is neutral and non-polar, with methionine, which is neutral and non-polar, at codon 394 of the YARS protein (p.Val394Met). This variant is present in population databases (no rsID available, gnomAD 0.006%). This missense change has been observed in individuals with clinical features of Charcot-Marie-Tooth disease (internal data). ClinVar contains an entry for this variant (Variation ID: 216574). Invitae Evidence Modeling of protein sequence and biophysical properties (such as structural, functional, and spatial information, amino acid conservation, physicochemical variation, residue mobility, and thermodynamic stability) indicates that this missense variant is not expected to disrupt YARS protein function with a negative predictive value of 80%. In summary, the available evidence is currently insufficient to determine the role of this variant in disease. Therefore, it has been classified as a Variant of Uncertain Significance.

NM_003680.4(YARS1):c.1180G>A (p.Val394Met)

Gene: YARS1 (tyrosyl-tRNA synthetase 1; minus strand). Cytogenetic location: 1p35.1.
Variant type: single nucleotide variant.
Coding change: c.1180G>A on transcript NM_003680.4 (MANE Select); coding-DNA position 1180, G replaced by A.
Protein change: p.Val394Met; replaces valine 394 with methionine.
Molecular consequence: missense variant.
Genome position (GRCh38, 1-based): chr1:32,780,239, C>T on the plus strand (G>A on the coding strand, the complement: YARS1 is on the minus strand). VCF-style: chr1-32780239-C-T. GRCh37 (hg19) VCF-style: chr1-33245840-C-T.
Other names: short protein forms V394M.
Identifiers: ClinVar variation 216574 (VCV000216574.8), dbSNP rs863224717, ClinGen allele CA336038.